The following is an entry in ClinVar:

NM_017780.4(CHD7):c.381T>C (p.Pro127=)

Gene: CHD7 (chromodomain helicase DNA binding protein 7; plus strand). Cytogenetic location: 8q12.2.
Variant type: single nucleotide variant.
Coding change: c.381T>C on transcript NM_017780.4 (MANE Select); coding-DNA position 381, T replaced by C.
Protein change: p.Pro127=; no amino-acid change (proline 127 retained).
Molecular consequence: synonymous variant.
Genome position (GRCh38, 1-based): chr8:60,741,813, T>C. VCF-style: chr8-60741813-T-C. GRCh37 (hg19) VCF-style: chr8-61654372-T-C.
Other names: c.381T>C (NM_017780.3); c.381T>C, p.Pro127= (NM_001316690.1).
Identifiers: ClinVar variation 1189838 (VCV001189838.10), dbSNP rs373676882, ClinGen allele CA4759305.

ClinVar aggregate classification (germline): Likely benign. Review status: criteria provided, multiple submitters, no conflicts (2 of 4 stars). 4 submissions from 4 submitters: Likely benign (3). 1 of the submissions does not count toward it. Last evaluated 2024-10-16.

Conditions:
CHD7-related disorder. Also called: CHD7-related condition.
CHARGE syndrome (CHARGE). Also called: Hittner Hirsch Kreh syndrome; CHARGE ASSOCIATION--COLOBOMA, HEART ANOMALY, CHOANAL ATRESIA, RETARDATION, GENITAL AND EAR ANOMALIES; Coloboma, heart anomaly, choanal atresia, retardation, genital and ear anomalies; CHARGE association; Hall-Hittner syndrome. Identifiers: Orphanet 138, MedGen C0265354, MONDO:0008965.
Hypogonadotropic hypogonadism 5 with or without anosmia (KAL5). Also called: HYPOGONADOTROPIC HYPOGONADISM 5 WITH ANOSMIA; HYPOGONADOTROPHIC HYPOGONADISM 5 WITHOUT ANOSMIA; CHD7-Related GnRH Deficiency (Kallmann Syndrome 5). Identifiers: Orphanet 478, MedGen C3552553, MONDO:0012880, OMIM 612370. Disease mechanism: loss of function.

Allele frequency attached by ClinVar (database versions not stated): gnomAD exomes below 0.00001 and 0.00002; ExAC 0.00003; gnomAD 0.00005 and 0.00006; TOPMed 0.00007; ESP Exome Variant Server 0.00008.
gnomAD v4.1: 11 of 1,613,774 alleles (0.00068%); highest among the groups gnomAD compares: African/African-American, 0.015%; no homozygotes.

Submissions (4):

Labcorp Genetics (formerly Invitae), Labcorp
Classification: Likely benign for CHARGE syndrome. Last evaluated: 2024-10-16. Review status: criteria provided, single submitter. Criteria: Invitae Variant Classification Sherloc (09022015). Collection method: clinical testing. Allele origin: germline.

Fulgent Genetics
Classification: Likely benign for CHD7-related CHARGE syndrome; Hypogonadotropic hypogonadism 5 with or without anosmia. Last evaluated: 2021-10-20. Review status: criteria provided, single submitter. Criteria: ACMG Guidelines, 2015. Collection method: clinical testing. Allele origin: unknown.

GeneDx
Classification: Likely benign. Last evaluated: 2019-04-29. Review status: criteria provided, single submitter. Criteria: GeneDx Variant Classification Process June 2021. Collection method: clinical testing. Allele origin: germline. Affected: yes.

PreventionGenetics, part of Exact Sciences
Classification: Likely benign for CHD7-related condition. Last evaluated: 2019-06-17. Review status: no assertion criteria provided. Collection method: clinical testing. Allele origin: germline. Not counted in ClinVar's aggregate classification.
Comment: This variant is classified as likely benign based on ACMG/AMP sequence variant interpretation guidelines (Richards et al. 2015 PMID: 25741868, with internal and published modifications).